The following is an entry in ClinVar:

ClinVar aggregate classification (germline): Uncertain significance (1 of 4 stars; one submission).

Submission:

Labcorp Genetics (formerly Invitae), Labcorp
Classification: Uncertain significance. Last evaluated: 2023-11-07. Review status: criteria provided, single submitter. Criteria: Invitae Variant Classification Sherloc (09022015). Collection method: clinical testing. Allele origin: germline.
Comment: This sequence change creates a premature translational stop signal (p.Thr1939Profs*147) in the FBN3 gene. It is expected to result in an absent or disrupted protein product. However, the current clinical and genetic evidence is not sufficient to establish whether loss-of-function variants in FBN3 cause disease. This variant is not present in population databases (gnomAD no frequency). This variant has not been reported in the literature in individuals affected with FBN3-related conditions. In summary, the available evidence is currently insufficient to determine the role of this variant in disease. Therefore, it has been classified as a Variant of Uncertain Significance.

NM_032447.5(FBN3):c.5815del (p.Thr1939fs)

Gene: FBN3 (fibrillin 3; minus strand). Cytogenetic location: 19p13.2.
Variant type: Deletion.
Coding change: c.5815del on transcript NM_032447.5 (MANE Select); coding-DNA position 5815, one base deleted (A; older notation c.5815delA).
Protein change: p.Thr1939fs; shifts the reading frame from threonine 1939.
Molecular consequence: frameshift variant.
Genome position (GRCh38, 1-based): chr19:8,094,536, T deleted on the plus strand (A on the coding strand, the reverse complement: FBN3 is on the minus strand); the first of 2 consecutive T bases (chr19:8,094,536-8,094,537); deleting either gives the same sequence. VCF-style (leftmost placement, unchanged base first): chr19-8094535-GT-G. GRCh37 (hg19) VCF-style: chr19-8159419-GT-G.
Other names: c.5815del, p.Thr1939fs (NM_001321431.2); short protein forms T1939fs.
Identifiers: ClinVar variation 2694071 (VCV002694071.3), dbSNP rs2512684911, ClinGen allele CA2697556208.
Genomic context (GRCh38, chr19:8,094,535, plus strand): 5'-CCAGGGGGACAGATGCAGCGGAAGGAGCCCTCGAGGTTCTGGCAAGTGCCGGGTAGGCAG[GT>G]TCCTGCAAGGCTGAGGCACTCATTGGTGTCTGTGAAAAGGAGGAAGAAAGGTCCTTGTGC-3'